The following is an entry in ClinVar:

NM_000038.6(APC):c.5704T>G (p.Ser1902Ala)

Gene: APC (APC regulator of Wnt signaling pathway; plus strand). Cytogenetic location: 5q22.2.
Variant type: single nucleotide variant.
Coding change: c.5704T>G on transcript NM_000038.6 (MANE Select); coding-DNA position 5704, T replaced by G.
Protein change: p.Ser1902Ala; replaces serine 1902 with alanine.
Molecular consequence: missense variant. On other transcripts: non-coding transcript variant (2).
Genome position (GRCh38, 1-based): chr5:112,841,298, T>G. VCF-style: chr5-112841298-T-G. GRCh37 (hg19) VCF-style: chr5-112176995-T-G.
Other names: c.5704T>G, p.Ser1902Ala (NM_001127510.3, NM_001354895.2, NM_001407450.1); c.5650T>G, p.Ser1884Ala (NM_001127511.3); c.5758T>G, p.Ser1920Ala (NM_001354896.2, NM_001407447.1, NM_001407448.1 and 1 more transcripts); c.5734T>G, p.Ser1912Ala (NM_001354897.2); c.5629T>G, p.Ser1877Ala (NM_001354898.2); c.5620T>G, p.Ser1874Ala (NM_001354899.2); c.5581T>G, p.Ser1861Ala (NM_001354900.2); c.5527T>G, p.Ser1843Ala (NM_001354901.2, NM_001407453.1); and 11 more; short protein forms S1619A, S1742A, S1801A, S1811A, S1819A, S1874A, S1518A, S1843A.
Identifiers: ClinVar variation 3635490 (VCV003635490.2).

ClinVar aggregate classification (germline): Uncertain significance (1 of 4 stars; one submission).

Conditions:
Familial adenomatous polyposis 1 (FAP1). Also called: FAMILIAL ADENOMATOUS POLYPOSIS 1, ATTENUATED; POLYPOSIS, ADENOMATOUS INTESTINAL. Identifiers: MedGen C2713442, MONDO:0021056, OMIM 175100. Disease mechanism: loss of function.

Submission:

Labcorp Genetics (formerly Invitae), Labcorp
Classification: Uncertain significance for Familial adenomatous polyposis 1. Last evaluated: 2024-10-24. Review status: criteria provided, single submitter. Criteria: Invitae Variant Classification Sherloc (09022015). Collection method: clinical testing. Allele origin: germline.
Comment: This sequence change replaces serine, which is neutral and polar, with alanine, which is neutral and non-polar, at codon 1902 of the APC protein (p.Ser1902Ala). This variant is not present in population databases (gnomAD no frequency). This variant has not been reported in the literature in individuals affected with APC-related conditions. Invitae Evidence Modeling of protein sequence and biophysical properties (such as structural, functional, and spatial information, amino acid conservation, physicochemical variation, residue mobility, and thermodynamic stability) indicates that this missense variant is not expected to disrupt APC protein function with a negative predictive value of 95%. In summary, the available evidence is currently insufficient to determine the role of this variant in disease. Therefore, it has been classified as a Variant of Uncertain Significance.